The following is an entry in ClinVar:

NM_012179.4(FBXO7):c.1538G>A (p.Arg513Gln)

Gene: FBXO7 (F-box protein 7; plus strand). Cytogenetic location: 22q12.3.
Variant type: single nucleotide variant.
Coding change: c.1538G>A on transcript NM_012179.4 (MANE Select); coding-DNA position 1538, G replaced by A.
Protein change: p.Arg513Gln; replaces arginine 513 with glutamine.
Molecular consequence: missense variant.
Genome position (GRCh38, 1-based): chr22:32,498,499, G>A. VCF-style: chr22-32498499-G-A. GRCh37 (hg19) VCF-style: chr22-32894486-G-A.
Other names: c.1301G>A, p.Arg434Gln (NM_001033024.2); c.1196G>A, p.Arg399Gln (NM_001257990.2); short protein forms R399Q, R434Q, R513Q.
Identifiers: ClinVar variation 3339677 (VCV003339677.1).

ClinVar aggregate classification (germline): Uncertain significance (1 of 4 stars; one submission).

Submission:

Women's Health and Genetics/Laboratory Corporation of America, LabCorp
Classification: Uncertain significance. Last evaluated: 2024-06-07. Review status: criteria provided, single submitter. Criteria: LabCorp Variant Classification Summary - May 2015. Collection method: clinical testing. Allele origin: germline.
Comment: Variant summary: FBXO7 c.1538G>A (p.Arg513Gln) results in a conservative amino acid change in the encoded protein sequence. Three of five in-silico tools predict a damaging effect of the variant on protein function. The variant allele was found at a frequency of 4e-06 in 250476 control chromosomes. The available data on variant occurrences in the general population are insufficient to allow any conclusion about variant significance. c.1538G>A has been reported in the literature in an individual affected with Amyotrophic lateral sclerosis or an individual with unidentified clinical features (Stranneheim_2021, Vacchiano_2022). These report(s) do not provide unequivocal conclusions about association of the variant with Parkinsonian-Pyramidal Syndrome. To our knowledge, no experimental evidence demonstrating an impact on protein function has been reported. The following publications have been ascertained in the context of this evaluation (PMID: 33726816, 35893043). No submitters have cited clinical-significance assessments for this variant to ClinVar. Based on the evidence outlined above, the variant was classified as uncertain significance.

Literature cited by the submitters: PubMed 33726816; PubMed 35893043.